The following is an entry in ClinVar:

ClinVar aggregate classification (germline): Benign. Review status: criteria provided, multiple submitters, no conflicts (2 of 4 stars). 3 submissions from 3 submitters: Benign (2). 1 of the submissions does not count toward it. Last evaluated 2025-07-06.

Conditions:
SALL1-related disorder. Also called: SALL1-related condition.
Townes syndrome (TBS). Also called: Townes-Brocks syndrome. Identifiers: Orphanet 857, MedGen C0265246, MeSH C536974, MONDO:0007142.

Allele frequency attached by ClinVar (database versions not stated): TOPMed below 0.00001; gnomAD 0.00002; gnomAD exomes 0.00005 and 0.00012; 1000 Genomes Project 0.00040; ExAC 0.00017; 1000 Genomes Project 30x 0.00031.

Submissions (3):

Labcorp Genetics (formerly Invitae), Labcorp
Classification: Benign for Townes syndrome. Last evaluated: 2025-07-06. Review status: criteria provided, single submitter. Criteria: Invitae Variant Classification Sherloc (09022015). Collection method: clinical testing. Allele origin: germline.

GeneDx
Classification: Benign. Last evaluated: 2021-06-04. Review status: criteria provided, single submitter. Criteria: GeneDx Variant Classification Process June 2021. Collection method: clinical testing. Allele origin: germline. Affected: yes.

PreventionGenetics, part of Exact Sciences
Classification: Likely benign for SALL1-related condition. Last evaluated: 2019-10-02. Review status: no assertion criteria provided. Collection method: clinical testing. Allele origin: germline. Not counted in ClinVar's aggregate classification.
Comment: This variant is classified as likely benign based on ACMG/AMP sequence variant interpretation guidelines (Richards et al. 2015 PMID: 25741868, with internal and published modifications).

NM_002968.3(SALL1):c.3603C>T (p.Gly1201=)

Gene: SALL1 (spalt like transcription factor 1; minus strand). Cytogenetic location: 16q12.1.
Variant type: single nucleotide variant.
Coding change: c.3603C>T on transcript NM_002968.3 (MANE Select); coding-DNA position 3603, C replaced by T.
Protein change: p.Gly1201=; no amino-acid change (glycine 1201 retained).
Molecular consequence: synonymous variant.
Genome position (GRCh38, 1-based): chr16:51,137,484, G>A on the plus strand (C>T on the coding strand, the complement: SALL1 is on the minus strand). VCF-style: chr16-51137484-G-A. GRCh37 (hg19) VCF-style: chr16-51171395-G-A.
Other names: c.3312C>T, p.Gly1104= (NM_001127892.2).
Identifiers: ClinVar variation 1244483 (VCV001244483.5), dbSNP rs542678985, ClinGen allele CA8052870.